The following is an entry in ClinVar:

ClinVar aggregate classification (germline): Uncertain significance. Review status: criteria provided, multiple submitters, no conflicts (2 of 4 stars). 3 submissions from 3 submitters: Uncertain significance (3). Last evaluated 2025-08-04.

Conditions:
Intellectual disability, autosomal recessive 53 (NEDHSCA). Also called: GLYCOSYLPHOSPHATIDYLINOSITOL BIOSYNTHESIS DEFECT 13; Mental retardation, autosomal recessive 53; NEURODEVELOPMENTAL DISORDER WITH OR WITHOUT HYPOTONIA, SEIZURES, AND CEREBELLAR ATROPHY. Identifiers: Orphanet 488635, MedGen C4310794, MONDO:0014832, OMIM 616917.
Inborn genetic diseases. Identifiers: MedGen C0950123, MeSH D030342.

Allele frequency attached by ClinVar (database versions not stated): gnomAD below 0.00001 and 0.00001; ExAC 0.00001; gnomAD exomes 0.00001.

Submissions (3):

Ambry Genetics
Classification: Uncertain significance for Inborn genetic diseases. Last evaluated: 2025-08-04. Review status: criteria provided, single submitter. Criteria: Ambry Variant Classification Scheme 2023. Collection method: clinical testing. Allele origin: germline.

Labcorp Genetics (formerly Invitae), Labcorp
Classification: Uncertain significance for Intellectual disability, autosomal recessive 53. Last evaluated: 2024-02-24. Review status: criteria provided, single submitter. Criteria: Invitae Variant Classification Sherloc (09022015). Collection method: clinical testing. Allele origin: germline.
Comment: This sequence change replaces lysine, which is basic and polar, with asparagine, which is neutral and polar, at codon 407 of the PIGG protein (p.Lys407Asn). This variant is present in population databases (rs763590962, gnomAD 0.01%). This variant has not been reported in the literature in individuals affected with PIGG-related conditions. ClinVar contains an entry for this variant (Variation ID: 956023). Advanced modeling of protein sequence and biophysical properties (such as structural, functional, and spatial information, amino acid conservation, physicochemical variation, residue mobility, and thermodynamic stability) performed at Invitae indicates that this missense variant is expected to disrupt PIGG protein function with a positive predictive value of 80%. In summary, the available evidence is currently insufficient to determine the role of this variant in disease. Therefore, it has been classified as a Variant of Uncertain Significance.

Neuberg Centre For Genomic Medicine, NCGM
Classification: Uncertain significance for Intellectual disability, autosomal recessive 53. Last evaluated: 2023-06-22. Review status: criteria provided, single submitter. Criteria: ACMG Guidelines, 2015. Collection method: clinical testing. Allele origin: germline. Inheritance: Autosomal recessive inheritance. Affected: yes.
Comment: The observed missense c.1221G>T(p.Lys407Asn) variant in PIGG gene has not been reported previously as a pathogenic variant nor a benign variant, to our knowledge. The p.Lys407Asn variant has been reported with allele frequency of 0.001% in gnomAD Exomes. This variant has been submitted to the ClinVar database as Uncertain Significance. Multiple lines of computational evidences (Polyphen - Probably damaging, SIFT - Damaging and MutationTaster - Disease causing) predict a damaging effect on protein structure and function for this variant. The reference amino acid change at this position on PIGG gene is predicted as conserved by GERP++ and PhyloP across 100 vertebrates. The amino acid Lys at position 407 is changed to a Asn changing protein sequence and it might alter its composition and physico-chemical properties. For these reasons, this variant has been classified as a Variant of Uncertain Significance (VUS).

NM_001127178.3(PIGG):c.1221G>T (p.Lys407Asn)

Gene: PIGG (phosphatidylinositol glycan anchor biosynthesis class G (EMM blood group); plus strand). Cytogenetic location: 4p16.3.
Variant type: single nucleotide variant.
Coding change: c.1221G>T on transcript NM_001127178.3 (MANE Select); coding-DNA position 1221, G replaced by T.
Protein change: p.Lys407Asn; replaces lysine 407 with asparagine.
Molecular consequence: missense variant. On other transcripts: 5 prime UTR variant (2), non-coding transcript variant (10), intron variant (1).
Genome position (GRCh38, 1-based): chr4:521,162, G>T. VCF-style: chr4-521162-G-T. GRCh37 (hg19) VCF-style: chr4-514951-G-T.
Other names: c.1221G>T (NM_001127178.1); c.954G>T, p.Lys318Asn (NM_001289051.2, NM_001289053.2, NM_001345986.2 and 1 more transcripts); c.822G>T, p.Lys274Asn (NM_001289052.2); c.855G>T, p.Lys285Asn (NM_001289055.2); c.192G>T, p.Lys64Asn (NM_001345988.2); c.1221G>T, p.Lys407Asn (NM_001345989.2, NM_017733.5); c.-267G>T (NM_001345990.2, NM_001345991.2); c.147G>T, p.Lys49Asn (NM_001345994.2); and 1 more; short protein forms K318N, K49N, K285N, K407N, K64N, K274N.
Identifiers: ClinVar variation 956023 (VCV000956023.12), dbSNP rs763590962, ClinGen allele CA2793247.
Genomic context (GRCh38, chr4:521,162, plus strand): 5'-CTGGATCAGACTGTACTTGGAGGAAAAGCATTCAGAAGTCCTATTCAACCTGGGCTCCAA[G>T]GTTCTCAGGCAGTACCTGGATGCTCTGAAGACGCTGAGCTTGTCCCTGAGTGCACAAGTG-3'
Protein context (NP_001120650.1, residues 397-417): HSEVLFNLGS[Lys407Asn]VLRQYLDALK